The following is an entry in ClinVar:

ClinVar aggregate classification (germline): Benign/Likely benign. Review status: criteria provided, multiple submitters, no conflicts (2 of 4 stars). 8 submissions from 4 submitters: Benign (6); Likely benign (2). Last evaluated 2025-12-16.

Conditions:
Isolated Coronal Synostosis. Identifiers: MedGen CN043619.
FGFR2-related craniosynostosis. Identifiers: MedGen CN231480.
Craniosynostosis syndrome. Also called: Craniosynostosis. Identifiers: Orphanet 1531, MedGen C0010278, MeSH D003398, MONDO:0015469, HP:0001363.
Crouzon syndrome. Also called: Craniofacial dysostosis type 1; Crouzon craniofacial dysostosis; Crouzon disease; CRANIOFACIAL DYSOSTOSIS, TYPE I; Craniofacial dysostosis. Identifiers: Orphanet 207, MedGen C0010273, MeSH D003394, MONDO:0007405, OMIM 123500, HP:0004439.
Beare-Stevenson cutis gyrata syndrome (BSTVS). Identifiers: Orphanet 1555, MedGen C1852406, MONDO:0007412, OMIM 123790.
Saethre-Chotzen syndrome (SCS). Also called: ACROCEPHALY, SKULL ASYMMETRY, AND MILD SYNDACTYLY; ACS III; CHOTZEN SYNDROME. Identifiers: Orphanet 794, MedGen C0175699, MONDO:0007042, OMIM 101400.

Allele frequency attached by ClinVar (database versions not stated): gnomAD exomes 0.00051; ExAC 0.00057; 1000 Genomes Project 30x 0.00141; gnomAD 0.00146 and 0.00152; TOPMed 0.00158; 1000 Genomes Project 0.00160; ESP Exome Variant Server 0.00161.
gnomAD v4.1: 549 of 1,611,870 alleles (0.034%); highest among the groups gnomAD compares: African/African-American, 0.47%; 1 homozygote.

Submissions (8):

Labcorp Genetics (formerly Invitae), Labcorp
Classification: Benign for FGFR2-related craniosynostosis. Last evaluated: 2025-12-16. Review status: criteria provided, single submitter. Criteria: Invitae Variant Classification Sherloc (09022015). Collection method: clinical testing. Allele origin: germline.

Blueprint Genetics
Classification: Likely benign. Last evaluated: 2024-11-06. Review status: criteria provided, single submitter. Criteria: ACMG Guidelines, 2015. Collection method: clinical testing. Allele origin: germline.

ARUP Laboratories, Molecular Genetics and Genomics, ARUP Laboratories
Classification: Benign. Last evaluated: 2022-04-08. Review status: criteria provided, single submitter. Criteria: ARUP Molecular Germline Variant Investigation Process 2021. Collection method: clinical testing. Allele origin: germline.

Illumina Laboratory Services, Illumina
Classification: Likely benign for Isolated coronal synostosis. Last evaluated: 2018-01-12. Review status: criteria provided, single submitter. Criteria: ICSL Variant Classification Criteria 13 December 2019. Collection method: clinical testing. Allele origin: germline.
Comment: This variant was observed in the ICSL laboratory as part of a predisposition screen in an ostensibly healthy population. It had not been previously curated by ICSL or reported in the Human Gene Mutation Database (HGMD: prior to June 1st, 2018), and was therefore a candidate for classification through an automated scoring system. Utilizing variant allele frequency, disease prevalence and penetrance estimates, and inheritance mode, an automated score was calculated to assess if this variant is too frequent to cause the disease. Based on the score and internal cut-off values, a variant classified as likely benign is not then subjected to further curation. The score for this variant resulted in a classification of likely benign for this disease.

Illumina Laboratory Services, Illumina
Classification: Benign for Saethre-Chotzen syndrome. Last evaluated: 2018-01-12. Review status: criteria provided, single submitter. Criteria: ICSL Variant Classification Criteria 13 December 2019. Collection method: clinical testing. Allele origin: germline.
Comment: This variant was observed in the ICSL laboratory as part of a predisposition screen in an ostensibly healthy population. It had not been previously curated by ICSL or reported in the Human Gene Mutation Database (HGMD: prior to June 1st, 2018), and was therefore a candidate for classification through an automated scoring system. Utilizing variant allele frequency, disease prevalence and penetrance estimates, and inheritance mode, an automated score was calculated to assess if this variant is too frequent to cause the disease. Based on the score and internal cut-off values, a variant classified as benign is not then subjected to further curation. The score for this variant resulted in a classification of benign for this disease.

Illumina Laboratory Services, Illumina
Classification: Benign for Crouzon syndrome. Last evaluated: 2018-01-12. Review status: criteria provided, single submitter. Criteria: ICSL Variant Classification Criteria 13 December 2019. Collection method: clinical testing. Allele origin: germline.
Comment: the same text as in the submission from Illumina Laboratory Services, Illumina above.

Illumina Laboratory Services, Illumina
Classification: Benign for Beare-Stevenson cutis gyrata syndrome. Last evaluated: 2018-01-12. Review status: criteria provided, single submitter. Criteria: ICSL Variant Classification Criteria 13 December 2019. Collection method: clinical testing. Allele origin: germline.
Comment: the same text as in the submission from Illumina Laboratory Services, Illumina above.

Illumina Laboratory Services, Illumina
Classification: Benign for Craniosynostosis. Last evaluated: 2018-01-12. Review status: criteria provided, single submitter. Criteria: ICSL Variant Classification Criteria 13 December 2019. Collection method: clinical testing. Allele origin: germline.
Comment: the same text as in the submission from Illumina Laboratory Services, Illumina above.

NM_000141.5(FGFR2):c.454+14C>T

Gene: FGFR2 (fibroblast growth factor receptor 2; minus strand). Cytogenetic location: 10q26.13.
Variant type: single nucleotide variant.
Coding change: c.454+14C>T on transcript NM_000141.5 (MANE Select); 14 bases into the intron after coding-DNA position 454, C replaced by T.
Molecular consequence: intron variant.
Genome position (GRCh38, 1-based): chr10:121,564,488, G>A on the plus strand (C>T on the coding strand, the complement: FGFR2 is on the minus strand). VCF-style: chr10-121564488-G-A. GRCh37 (hg19) VCF-style: chr10-123324002-G-A.
Other names: c.454+14C>T (NM_001144914.1, NM_001144917.2, NM_001320658.2 and 3 more transcripts); c.110-13029C>T (NM_001144918.2, NM_001441091.1, NM_001441090.1 and 1 more transcripts); c.187+14C>T (NM_001441089.1, NM_023029.3, NM_001441088.1 and 2 more transcripts).
Identifiers: ClinVar variation 878757 (VCV000878757.25), dbSNP rs112142377, ClinGen allele CA5721132.